The following is an entry in ClinVar:

NM_001297.5(CNGB1):c.2284C>A (p.Arg762Ser)

Gene: CNGB1 (cyclic nucleotide gated channel subunit beta 1; minus strand). Cytogenetic location: 16q21.
Variant type: single nucleotide variant.
Coding change: c.2284C>A on transcript NM_001297.5 (MANE Select); coding-DNA position 2284, C replaced by A.
Protein change: p.Arg762Ser; replaces arginine 762 with serine.
Molecular consequence: missense variant.
Genome position (GRCh38, 1-based): chr16:57,915,269, G>T on the plus strand (C>A on the coding strand, the complement: CNGB1 is on the minus strand). VCF-style: chr16-57915269-G-T. GRCh37 (hg19) VCF-style: chr16-57949173-G-T.
Other names: c.2266C>A, p.Arg756Ser (NM_001286130.2); short protein forms R762S, R756S.
Identifiers: ClinVar variation 5005612 (VCV005005612.2).

ClinVar aggregate classification (germline): Likely pathogenic (1 of 4 stars; one submission).

Conditions:
Retinitis pigmentosa 45 (RP45). Identifiers: Orphanet 791, MedGen C3151066, MONDO:0013413, OMIM 613767.

gnomAD v4.1: 3 of 1,613,942 alleles (0.00019%); highest among the groups gnomAD compares: East Asian, 0.0067%; no homozygotes.

Submission:

Juno Genomics, Hangzhou Juno Genomics, Inc
Classification: Likely pathogenic for Retinitis pigmentosa 45. Review status: criteria provided, single submitter. Criteria: ACMG Guidelines, 2015. Collection method: clinical testing. Allele origin: germline.
Comment: Absent from controls (or at extremely low frequency if recessive) in Genome Aggregation Database.;Novel missense change at an amino acid residue where a different missense change determined to be pathogenic has been seen before.;Multiple lines of computational evidence support a deleterious effect on the gene or gene product.